The following is an entry in ClinVar:

ClinVar aggregate classification (germline): Uncertain significance. Review status: criteria provided, multiple submitters, no conflicts (2 of 4 stars). 2 submissions from 2 submitters: Uncertain significance (2). Last evaluated 2025-04-11.

Conditions:
Intellectual developmental disorder, autosomal dominant 6, with or without seizures. Also called: Intellectual disability, autosomal dominant 6; GRIN2B-related developmental delay, intellectual disability and autism spectrum disorder. Identifiers: Orphanet 589547, MedGen C3151411, MONDO:0013509, OMIM 613970.
Developmental and epileptic encephalopathy, 27 (DEE27). Also called: Epileptic encephalopathy, early infantile, 27; GRIN2B-Related Neurodevelopmental Disorder. Identifiers: Orphanet 3451, MedGen C4015316, MONDO:0014505, OMIM 616139.

Allele frequency attached by ClinVar (database versions not stated): gnomAD exomes below 0.00001 and 0.00001; TOPMed below 0.00001; ExAC 0.00001; gnomAD 0.00001.
gnomAD v4.1: 2 of 1,614,088 alleles (0.00012%); highest among the groups gnomAD compares: Admixed American, 0.0017%; no homozygotes.

Submissions (2):

Labcorp Genetics (formerly Invitae), Labcorp
Classification: Uncertain significance for Developmental and epileptic encephalopathy, 27; Intellectual developmental disorder, autosomal dominant 6, with or without seizures. Last evaluated: 2025-04-11. Review status: criteria provided, single submitter. Criteria: Invitae Variant Classification Sherloc (09022015). Collection method: clinical testing. Allele origin: germline.
Comment: This sequence change replaces arginine, which is basic and polar, with glutamine, which is neutral and polar, at codon 1381 of the GRIN2B protein (p.Arg1381Gln). This variant is present in population databases (rs761443441, gnomAD 0.003%). This variant has not been reported in the literature in individuals affected with GRIN2B-related conditions. ClinVar contains an entry for this variant (Variation ID: 245959). Invitae Evidence Modeling of protein sequence and biophysical properties (such as structural, functional, and spatial information, amino acid conservation, physicochemical variation, residue mobility, and thermodynamic stability) indicates that this missense variant is not expected to disrupt GRIN2B protein function with a negative predictive value of 95%. Experimental studies have shown that this missense change does not substantially affect GRIN2B function (PMID: 37369021). In summary, the available evidence is currently insufficient to determine the role of this variant in disease. Therefore, it has been classified as a Variant of Uncertain Significance.

GeneDx
Classification: Uncertain significance. Last evaluated: 2019-05-01. Review status: criteria provided, single submitter. Criteria: GeneDx Variant Classification Process June 2021. Collection method: clinical testing. Allele origin: germline. Affected: yes.
Comment: In silico analysis, which includes protein predictors and evolutionary conservation, supports that this variant does not alter protein structure/function; Has not been previously published as pathogenic or benign to our knowledge

Literature cited by the submitters: PubMed 37369021 (cited by Labcorp Genetics (formerly Invitae), Labcorp).

NM_000834.5(GRIN2B):c.4142G>A (p.Arg1381Gln)

Gene: GRIN2B (glutamate ionotropic receptor NMDA type subunit 2B; minus strand). Cytogenetic location: 12p13.1.
Variant type: single nucleotide variant.
Coding change: c.4142G>A on transcript NM_000834.5 (MANE Select); coding-DNA position 4142, G replaced by A.
Protein change: p.Arg1381Gln; replaces arginine 1381 with glutamine.
Molecular consequence: missense variant.
Genome position (GRCh38, 1-based): chr12:13,563,096, C>T on the plus strand (G>A on the coding strand, the complement: GRIN2B is on the minus strand). VCF-style: chr12-13563096-C-T. GRCh37 (hg19) VCF-style: chr12-13716030-C-T.
Other names: short protein forms R1381Q.
Identifiers: ClinVar variation 245959 (VCV000245959.6), dbSNP rs761443441, ClinGen allele CA6460777.